The following is an entry in ClinVar:

NM_001367624.2(ZNF469):c.77G>C (p.Ser26Thr)

Gene: ZNF469 (zinc finger protein 469; plus strand). Cytogenetic location: 16q24.2.
Variant type: single nucleotide variant.
Coding change: c.77G>C on transcript NM_001367624.2 (MANE Select); coding-DNA position 77, G replaced by C.
Protein change: p.Ser26Thr; replaces serine 26 with threonine.
Molecular consequence: missense variant.
Genome position (GRCh38, 1-based): chr16:88,427,547, G>C. VCF-style: chr16-88427547-G-C. GRCh37 (hg19) VCF-style: chr16-88493955-G-C.
Other names: short protein forms S26T.
Identifiers: ClinVar variation 126931 (VCV000126931.2), dbSNP rs273585616, ClinGen allele CA151301.

ClinVar aggregate classification (germline): Pathogenic (0 of 4 stars; one submission).

Conditions:
Keratoconus 1 (KTCN1). Identifiers: MedGen C1835677, MONDO:0007851, OMIM 148300.

Submission:

Willoughby Group, Queen's University Belfast
Classification: Pathogenic for Keratoconus 1. Review status: no assertion criteria provided. Collection method: not provided. Allele origin: germline.
ClinVar note: Converted during submission from pathogenic to Pathogenic.